The following is an entry in ClinVar:

ClinVar aggregate classification (germline): Benign/Likely benign. Review status: criteria provided, multiple submitters, no conflicts (2 of 4 stars). 7 submissions from 7 submitters: Benign (6); Likely benign (1). Last evaluated 2024-11-28.

Allele frequency attached by ClinVar (database versions not stated): gnomAD exomes 0.07847 and 0.09627; ExAC 0.09409; ESP Exome Variant Server 0.11918; gnomAD 0.12037 and 0.12239; TOPMed 0.13157; 1000 Genomes Project 0.13458; 1000 Genomes Project 30x 0.13898.

Submissions (7):

Blueprint Genetics
Classification: Likely benign. Last evaluated: 2024-11-28. Review status: criteria provided, single submitter. Criteria: ACMG Guidelines, 2015. Collection method: clinical testing. Allele origin: germline.

Unidad de Genómica Garrahan, Hospital de Pediatría Garrahan
Classification: Benign. Last evaluated: 2024-01-24. Review status: criteria provided, single submitter. Criteria: ACMG Guidelines, 2015. Collection method: clinical testing. Allele origin: germline. Affected: no. Observed: 20 variant alleles.
Comment: This variant is classified as Benign based on local population frequency. This variant was detected in 21% of patients studied by a panel of primary immunodeficiencies. Number of patients: 20. Only high quality variants are reported.

Mayo Clinic Laboratories, Mayo Clinic
Classification: Benign. Last evaluated: 2022-09-06. Review status: criteria provided, single submitter. Criteria: ACMG Guidelines, 2015. Collection method: clinical testing. Allele origin: germline. Observed: 28 variant alleles.

GeneDx
Classification: Benign. Last evaluated: 2018-10-17. Review status: criteria provided, single submitter. Criteria: GeneDx Variant Classification Process June 2021. Collection method: clinical testing. Allele origin: germline. Affected: yes.

Laboratory for Molecular Medicine, Mass General Brigham Personalized Medicine
Classification: Benign. Last evaluated: 2016-03-28. Review status: criteria provided, single submitter. Criteria: LMM Criteria. Collection method: clinical testing. Allele origin: germline.
Comment: Variant identified in a genome or exome case(s) and assessed due to predicted null impact of the variant or pathogenic assertions in the literature or databases. Disclaimer: This variant has not undergone full assessment. The following are preliminary notes: MAF

Breakthrough Genomics
Classification: Benign. Review status: criteria provided, single submitter. Criteria: ACMG Guidelines, 2015. Collection method: not provided. Allele origin: germline. Inheritance: Autosomal recessive inheritance. Affected: yes.

PreventionGenetics, part of Exact Sciences
Classification: Benign. Review status: criteria provided, single submitter. Criteria: ACMG Guidelines, 2015. Collection method: clinical testing. Allele origin: germline.

NM_000631.5(NCF4):c.897G>A (p.Ser299=)

Gene: NCF4 (neutrophil cytosolic factor 4; plus strand). Cytogenetic location: 22q12.3.
Variant type: single nucleotide variant.
Coding change: c.897G>A on transcript NM_000631.5 (MANE Select); coding-DNA position 897, G replaced by A.
Protein change: p.Ser299=; no amino-acid change (serine 299 retained).
Molecular consequence: synonymous variant. On other transcripts: 3 prime UTR variant (1).
Genome position (GRCh38, 1-based): chr22:36,877,700, G>A. VCF-style: chr22-36877700-G-A. GRCh37 (hg19) VCF-style: chr22-37273742-G-A.
Other names: c.*95G>A (NM_013416.4).
Identifiers: ClinVar variation 260303 (VCV000260303.11), dbSNP rs11552115, ClinGen allele CA10213266.